The following is an entry in ClinVar:

ClinVar aggregate classification (germline): Uncertain significance (1 of 4 stars; one submission).

Conditions:
Spermatogenic failure 18. Identifiers: MedGen C4539783, MONDO:0054615, OMIM 617576.
Ciliary dyskinesia, primary, 37 (CILD37). Also called: CILIARY DYSKINESIA, PRIMARY, 37, WITH OR WITHOUT SITUS INVERSUS. Identifiers: MedGen C4539798, MONDO:0033204, OMIM 617577.

Submission:

Labcorp Genetics (formerly Invitae), Labcorp
Classification: Uncertain significance for Ciliary dyskinesia, primary, 37; Spermatogenic failure 18. Last evaluated: 2022-02-19. Review status: criteria provided, single submitter. Criteria: Invitae Variant Classification Sherloc (09022015). Collection method: clinical testing. Allele origin: germline.
Comment: In summary, the available evidence is currently insufficient to determine the role of this variant in disease. Therefore, it has been classified as a Variant of Uncertain Significance. Algorithms developed to predict the effect of missense changes on protein structure and function (SIFT, PolyPhen-2, Align-GVGD) all suggest that this variant is likely to be tolerated. This variant has not been reported in the literature in individuals affected with DNAH1-related conditions. This variant is not present in population databases (gnomAD no frequency). This sequence change replaces isoleucine, which is neutral and non-polar, with valine, which is neutral and non-polar, at codon 2610 of the DNAH1 protein (p.Ile2610Val).

NM_015512.5(DNAH1):c.7828A>G (p.Ile2610Val)

Gene: DNAH1 (dynein axonemal heavy chain 1; plus strand). Cytogenetic location: 3p21.1.
Variant type: single nucleotide variant.
Coding change: c.7828A>G on transcript NM_015512.5 (MANE Select); coding-DNA position 7828, A replaced by G.
Protein change: p.Ile2610Val; replaces isoleucine 2610 with valine.
Molecular consequence: missense variant.
Genome position (GRCh38, 1-based): chr3:52,382,342, A>G. VCF-style: chr3-52382342-A-G. GRCh37 (hg19) VCF-style: chr3-52416358-A-G.
Other names: short protein forms I2610V.
Identifiers: ClinVar variation 2099662 (VCV002099662.4), dbSNP rs2471261071, ClinGen allele CA353182355.